The following is an entry in ClinVar:

NM_053025.4(MYLK):c.2838C>G (p.His946Gln)

Gene: MYLK (myosin light chain kinase; minus strand). Cytogenetic location: 3q21.1.
Variant type: single nucleotide variant.
Coding change: c.2838C>G on transcript NM_053025.4 (MANE Select); coding-DNA position 2838, C replaced by G.
Protein change: p.His946Gln; replaces histidine 946 with glutamine.
Molecular consequence: missense variant.
Genome position (GRCh38, 1-based): chr3:123,700,630, G>C on the plus strand (C>G on the coding strand, the complement: MYLK is on the minus strand). VCF-style: chr3-123700630-G-C. GRCh37 (hg19) VCF-style: chr3-123419477-G-C.
Other names: c.2310C>G, p.His770Gln (NM_001321309.2); c.2631C>G, p.His877Gln (NM_053026.4, NM_053028.4); c.2838C>G, p.His946Gln (NM_053027.4); short protein forms H946Q, H770Q, H877Q.
Identifiers: ClinVar variation 539082 (VCV000539082.7), dbSNP rs1200981327, ClinGen allele CA354231128.

ClinVar aggregate classification (germline): Uncertain significance. Review status: criteria provided, multiple submitters, no conflicts (2 of 4 stars). 3 submissions from 3 submitters: Uncertain significance (3). Last evaluated 2023-02-16.

Conditions:
Connective tissue disorder. Also called: Connective tissue disease. Identifiers: MedGen C0009782, MONDO:0003900.
Familial thoracic aortic aneurysm and aortic dissection (TAAD). Also called: Thoracic aortic aneurysms and dissections. Identifiers: Orphanet 91387, MedGen C4707243, MONDO:0019625.
Aortic aneurysm, familial thoracic 7 (AAT7). Also called: AORTIC DISSECTION, FAMILIAL, WITH OR WITHOUT AORTIC ANEURYSM. Identifiers: MedGen C3151077, MONDO:0013418, OMIM 613780.

Allele frequency attached by ClinVar (database versions not stated): gnomAD exomes below 0.00001.
gnomAD v4.1: 5 of 1,613,970 alleles (0.00031%); highest among the groups gnomAD compares: Non-Finnish European, 0.00042%; no homozygotes.

Submissions (3):

Ambry Genetics
Classification: Uncertain significance for Familial thoracic aortic aneurysm and aortic dissection. Last evaluated: 2023-02-16. Review status: criteria provided, single submitter. Criteria: Ambry Variant Classification Scheme 2023. Collection method: clinical testing. Allele origin: germline.
Comment: The p.H946Q variant (also known as c.2838C>G), located in coding exon 15 of the MYLK gene, results from a C to G substitution at nucleotide position 2838. The histidine at codon 946 is replaced by glutamine, an amino acid with highly similar properties. This amino acid position is conserved. In addition, this alteration is predicted to be tolerated by in silico analysis. Since supporting evidence is limited at this time, the clinical significance of this alteration remains unclear.

Labcorp Genetics (formerly Invitae), Labcorp
Classification: Uncertain significance for Aortic aneurysm, familial thoracic 7. Last evaluated: 2021-09-01. Review status: criteria provided, single submitter. Criteria: Invitae Variant Classification Sherloc (09022015). Collection method: clinical testing. Allele origin: germline.
Comment: This sequence change replaces histidine with glutamine at codon 946 of the MYLK protein (p.His946Gln). The histidine residue is highly conserved and there is a small physicochemical difference between histidine and glutamine. This variant is not present in population databases (ExAC no frequency). This variant has not been reported in the literature in individuals affected with MYLK-related conditions. Algorithms developed to predict the effect of missense changes on protein structure and function are either unavailable or do not agree on the potential impact of this missense change (SIFT: "Deleterious"; PolyPhen-2: "Benign"; Align-GVGD: "Class C15"). In summary, the available evidence is currently insufficient to determine the role of this variant in disease. Therefore, it has been classified as a Variant of Uncertain Significance.

Center for Human Genetics, Inc
Classification: Uncertain significance for Connective tissue disorder. Last evaluated: 2016-11-01. Review status: criteria provided, single submitter. Criteria: ACMG Guidelines, 2015. Collection method: clinical testing. Allele origin: germline. Affected: yes.